The following is an entry in ClinVar:

ClinVar aggregate classification (germline): Uncertain significance (1 of 4 stars; one submission).

Conditions:
PCNT-related disorder. Also called: PCNT-related condition.

gnomAD v4.1: 6 of 1,614,046 alleles (0.00037%); highest among the groups gnomAD compares: Admixed American, 0.01%; no homozygotes.

Submission:

PreventionGenetics, part of Exact Sciences
Classification: Uncertain significance for PCNT-related condition. Last evaluated: 2026-05-19. Review status: criteria provided, single submitter. Criteria: ACMG Guidelines, 2015. Collection method: clinical testing. Allele origin: germline.
Comment: The PCNT c.655T>C variant is predicted to result in the amino acid substitution p.Cys219Arg. To our knowledge, this variant has not been reported in the literature. This variant is reported in 0.014% of alleles in individuals of Latino descent in gnomAD. At this time, the clinical significance of this variant is uncertain due to the absence of conclusive functional and genetic evidence.

NM_006031.6(PCNT):c.655T>C (p.Cys219Arg)

Gene: PCNT (pericentrin; plus strand). Cytogenetic location: 21q22.3.
Variant type: single nucleotide variant.
Coding change: c.655T>C on transcript NM_006031.6 (MANE Select); coding-DNA position 655, T replaced by C.
Protein change: p.Cys219Arg; replaces cysteine 219 with arginine.
Molecular consequence: missense variant.
Genome position (GRCh38, 1-based): chr21:46,346,143, T>C. VCF-style: chr21-46346143-T-C. GRCh37 (hg19) VCF-style: chr21-47766057-T-C.
Other names: c.301T>C, p.Cys101Arg (NM_001315529.2); short protein forms C101R, C219R.
Identifiers: ClinVar variation 4984643 (VCV004984643.1).